The following is an entry in ClinVar:

ClinVar aggregate classification (germline): Uncertain significance (1 of 4 stars; one submission).

Conditions:
Epileptic encephalopathy. Identifiers: MedGen C0543888, HP:0200134.

Allele frequency attached by ClinVar (database versions not stated): gnomAD 0.00001; gnomAD exomes 0.00001.
gnomAD v4.1: 10 of 1,605,546 alleles (0.00062%); highest among the groups gnomAD compares: African/African-American, 0.011%; no homozygotes.

Submission:

Labcorp Genetics (formerly Invitae), Labcorp
Classification: Uncertain significance for Epileptic encephalopathy. Last evaluated: 2025-03-31. Review status: criteria provided, single submitter. Criteria: Invitae Variant Classification Sherloc (09022015). Collection method: clinical testing. Allele origin: germline.
Comment: This sequence change replaces glutamine, which is neutral and polar, with histidine, which is basic and polar, at codon 317 of the FASN protein (p.Gln317His). This variant is not present in population databases (gnomAD no frequency). This variant has not been reported in the literature in individuals affected with FASN-related conditions. ClinVar contains an entry for this variant (Variation ID: 1357771). An algorithm developed to predict the effect of missense changes on protein structure and function (PolyPhen-2) suggests that this variant is likely to be tolerated. In summary, the available evidence is currently insufficient to determine the role of this variant in disease. Therefore, it has been classified as a Variant of Uncertain Significance.

NM_004104.5(FASN):c.951G>C (p.Gln317His)

Gene: FASN (fatty acid synthase; minus strand). Cytogenetic location: 17q25.3.
Variant type: single nucleotide variant.
Coding change: c.951G>C on transcript NM_004104.5 (MANE Select); coding-DNA position 951, G replaced by C.
Protein change: p.Gln317His; replaces glutamine 317 with histidine.
Molecular consequence: missense variant.
Genome position (GRCh38, 1-based): chr17:82,092,533, C>G on the plus strand (G>C on the coding strand, the complement: FASN is on the minus strand). VCF-style: chr17-82092533-C-G. GRCh37 (hg19) VCF-style: chr17-80050409-C-G.
Other names: short protein forms Q317H.
Identifiers: ClinVar variation 1357771 (VCV001357771.8), dbSNP rs2034229066, ClinGen allele CA401561994.
Genomic context (GRCh38, chr17:82,092,533, plus strand): 5'-CCCCGAGGCTGGCTCCGGGTGCCCCATGTTGGACTTGGTGGAGCCGATGAGCAGCGGCTC[C>G]TGGCGGGTGGCGCACAGGGCTCGGGTGATGCCATTCAGCTCCTGGGGGTCGCCCACCTGT-3'
Protein context (NP_004095.4, residues 307-327): GITRALCATR[Gln317His]EPLLIGSTKS